The following is an entry in ClinVar:

ClinVar aggregate classification (germline): Uncertain significance (1 of 4 stars; one submission).

Submission:

Women's Health and Genetics/Laboratory Corporation of America, LabCorp
Classification: Uncertain significance. Last evaluated: 2024-11-12. Review status: criteria provided, single submitter. Criteria: LabCorp Variant Classification Summary - May 2015. Collection method: clinical testing. Allele origin: germline.
Comment: Variant summary: F8 c.509_510delinsAT (p.Pro170His) results in a non-conservative amino acid change located in the The first cupredoxin domain of coagulation factor VIII and similar proteins of the encoded protein sequence. Three of four in-silico tools predict a damaging effect of the variant on protein function. The variant was absent in 1211797 control chromosomes. The available data on variant occurrences in the general population are insufficient to allow any conclusion about variant significance. To our knowledge, no occurrence of c.509_510delinsAT in individuals affected with Factor VIII Deficiency (Hemophilia A) and no experimental evidence demonstrating its impact on protein function have been reported. No submitters have cited clinical-significance assessments for this variant to ClinVar. Based on the evidence outlined above, the variant was classified as uncertain significance.

NM_000132.4(F8):c.509_510delinsAT (p.Pro170His)

Gene: F8 (coagulation factor VIII; minus strand). Cytogenetic location: Xq28.
Variant type: Indel.
Coding change: c.509_510delinsAT on transcript NM_000132.4 (MANE Select); coding-DNA positions 509 to 510, CA replaced by AT.
Protein change: p.Pro170His; replaces proline 170 with histidine.
Molecular consequence: missense variant.
Genome position (GRCh38, 1-based): chrX:154,993,027-154,993,028, TG replaced by AT on the plus strand (CA replaced by AT on the coding strand, the reverse complement: F8 is on the minus strand). VCF-style: chrX-154993027-TG-AT. GRCh37 (hg19) VCF-style: chrX-154221302-TG-AT.
Other names: short protein forms P170H.
Identifiers: ClinVar variation 3629683 (VCV003629683.1).